The following is an entry in ClinVar:

ClinVar aggregate classification (germline): Uncertain significance. Review status: criteria provided, multiple submitters, no conflicts (2 of 4 stars). 2 submissions from 2 submitters: Uncertain significance (2). Last evaluated 2025-08-22.

Conditions:
Hereditary cancer-predisposing syndrome. Also called: Hereditary neoplastic syndrome; Neoplastic Syndromes, Hereditary; Tumor predisposition; Hereditary Cancer Syndrome. Identifiers: Orphanet 140162, MedGen C0027672, MeSH D009386, MONDO:0015356.
Ataxia-telangiectasia syndrome (AT). Also called: Ataxia telangiectasia (A-T); LOUIS-BAR SYNDROME; Cerebello-oculocutaneous telangiectasia; Immunodeficiency with ataxia telangiectasia; Ataxia-telangiectasia, complementation group D; AT, COMPLEMENTATION GROUP C. Identifiers: Orphanet 100, MedGen C0004135, MONDO:0008840, OMIM 208900.

Submissions (2):

Ambry Genetics
Classification: Uncertain significance for Hereditary cancer-predisposing syndrome. Last evaluated: 2025-08-22. Review status: criteria provided, single submitter. Criteria: Ambry Variant Classification Scheme 2023. Collection method: clinical testing. Allele origin: germline.
Comment: The p.I2844T variant (also known as c.8531T>C), located in coding exon 57 of the ATM gene, results from a T to C substitution at nucleotide position 8531. The isoleucine at codon 2844 is replaced by threonine, an amino acid with similar properties. This amino acid position is conserved. In addition, this alteration is predicted to be tolerated by in silico analysis. Since supporting evidence is limited at this time, the clinical significance of this alteration remains unclear.

Labcorp Genetics (formerly Invitae), Labcorp
Classification: Uncertain significance for Ataxia-telangiectasia syndrome. Last evaluated: 2024-04-10. Review status: criteria provided, single submitter. Criteria: Invitae Variant Classification Sherloc (09022015). Collection method: clinical testing. Allele origin: germline.
Comment: This sequence change replaces isoleucine, which is neutral and non-polar, with threonine, which is neutral and polar, at codon 2844 of the ATM protein (p.Ile2844Thr). This variant is not present in population databases (gnomAD no frequency). This variant has not been reported in the literature in individuals affected with ATM-related conditions. ClinVar contains an entry for this variant (Variation ID: 1763771). An algorithm developed to predict the effect of missense changes on protein structure and function (PolyPhen-2) suggests that this variant is likely to be tolerated. In summary, the available evidence is currently insufficient to determine the role of this variant in disease. Therefore, it has been classified as a Variant of Uncertain Significance.

NM_000051.4(ATM):c.8531T>C (p.Ile2844Thr)

Genes: ATM (ATM serine/threonine kinase; plus strand), C11orf65 (chromosome 11 open reading frame 65; minus strand). Cytogenetic location: 11q22.3.
Variant type: single nucleotide variant.
Coding change: c.8531T>C on transcript NM_000051.4 (MANE Select); coding-DNA position 8531, T replaced by C.
Protein change: p.Ile2844Thr; replaces isoleucine 2844 with threonine.
Molecular consequence: missense variant. On other transcripts: intron variant (2).
Genome position (GRCh38, 1-based): chr11:108,345,855, T>C. VCF-style: chr11-108345855-T-C. GRCh37 (hg19) VCF-style: chr11-108216582-T-C.
Other names: c.8531T>C, p.Ile2844Thr (NM_001351834.2); c.641-36784A>G (NM_001330368.2); c.695-10563A>G (NM_001351110.2); short protein forms I2844T.
Identifiers: ClinVar variation 1763771 (VCV001763771.7), dbSNP rs1591265172, ClinGen allele CA382518354.
Genomic context (GRCh38, chr11:108,345,855, plus strand): 5'-GCCAAAATTTTCAACCAGTTTTCCGTTACTTCTGCATGGAAAAATTCTTGGATCCAGCTA[T>C]TTGGTTTGAGAAGCGATTGGCTTATACGCGCAGTGTAGCTACTTCTTCTATTGGTAATCT-3'
Protein context (NP_000042.3, residues 2834-2854): FCMEKFLDPA[Ile2844Thr]WFEKRLAYTR